The following is an entry in ClinVar:

NM_032901.4(COX14):c.148G>A (p.Glu50Lys)

Gene: COX14 (cytochrome c oxidase assembly factor COX14; plus strand). Cytogenetic location: 12q13.12.
Variant type: single nucleotide variant.
Coding change: c.148G>A on transcript NM_032901.4 (MANE Select); coding-DNA position 148, G replaced by A.
Protein change: p.Glu50Lys; replaces glutamic acid 50 with lysine.
Molecular consequence: missense variant.
Genome position (GRCh38, 1-based): chr12:50,120,191, G>A. VCF-style: chr12-50120191-G-A. GRCh37 (hg19) VCF-style: chr12-50513974-G-A.
Other names: c.148G>A, p.Glu50Lys (NM_001257133.2, NM_001257134.2); short protein forms E50K.
Identifiers: ClinVar variation 3009894 (VCV003009894.3), dbSNP rs1951118506, ClinGen allele CA384808107.

ClinVar aggregate classification (germline): Uncertain significance (1 of 4 stars; one submission).

Allele frequency attached by ClinVar (database versions not stated): gnomAD exomes below 0.00001.
gnomAD v4.1: 1 of 1,614,136 alleles (0.000062%); highest among the groups gnomAD compares: Non-Finnish European, 0.000085%; no homozygotes.

Submission:

Labcorp Genetics (formerly Invitae), Labcorp
Classification: Uncertain significance. Last evaluated: 2025-02-24. Review status: criteria provided, single submitter. Criteria: Invitae Variant Classification Sherloc (09022015). Collection method: clinical testing. Allele origin: germline.
Comment: This sequence change replaces glutamic acid, which is acidic and polar, with lysine, which is basic and polar, at codon 50 of the COX14 protein (p.Glu50Lys). This variant is not present in population databases (gnomAD no frequency). This variant has not been reported in the literature in individuals affected with COX14-related conditions. ClinVar contains an entry for this variant (Variation ID: 3009894). An algorithm developed to predict the effect of missense changes on protein structure and function (PolyPhen-2) suggests that this variant is likely to be tolerated. In summary, the available evidence is currently insufficient to determine the role of this variant in disease. Therefore, it has been classified as a Variant of Uncertain Significance.